The following is an entry in ClinVar:

NM_014855.3(AP5Z1):c.41+780_971del

Gene: AP5Z1 (adaptor related protein complex 5 subunit zeta 1; plus strand). Cytogenetic location: 7p22.1.
Variant type: Deletion.
Coding change: c.41+780_971del on transcript NM_014855.3 (MANE Select); 780 bases into the intron after coding-DNA position 41 through coding-DNA position 971, 8,988 bases deleted.
Molecular consequence: splice acceptor variant, splice donor variant. On other transcripts: initiator codon variant (1).
Genome position (GRCh38, 1-based): chr7:4,776,536-4,785,523, 8,988 bases deleted. GRCh37 (hg19): chr7:4,816,167-4,825,154.
Other names: c.-241+780_503del (NM_001364858.1).
Identifiers: ClinVar variation 3341142 (VCV003341142.1).

ClinVar aggregate classification (germline): Likely pathogenic (1 of 4 stars; one submission).

Submission:

Centre for Clinical Genetics and Genomic Diagnostics, Zealand University Hospital
Classification: Likely pathogenic. Last evaluated: 2023-06-15. Review status: criteria provided, single submitter. Criteria: ACMG Guidelines, 2015. Collection method: clinical testing. Allele origin: germline. Affected: yes.
Comment: Found in putative compoúnd heterozygous state with another AP5Z1 variant.